The following is an entry in ClinVar:

NM_182588.3(RGPD4):c.1158A>G (p.Leu386=)

Gene: RGPD4 (RANBP2 like and GRIP domain containing 4; plus strand). Cytogenetic location: 2q12.3.
Variant type: single nucleotide variant.
Coding change: c.1158A>G on transcript NM_182588.3 (MANE Select); coding-DNA position 1158, A replaced by G.
Protein change: p.Leu386=; no amino-acid change (leucine 386 retained).
Molecular consequence: synonymous variant.
Genome position (GRCh38, 1-based): chr2:107,856,851, A>G. VCF-style: chr2-107856851-A-G. GRCh37 (hg19) VCF-style: chr2-108473307-A-G.
Identifiers: ClinVar variation 4084305 (VCV004084305.8).
Genomic context (GRCh38, chr2:107,856,851, plus strand): 5'-GCAAGATTTTTTAAAAGTGGTTGTTGAAACTTTTGCCAACAAAAGCGGGCAGTCTGCATT[A>G]TATGATGCTCTGTTTTCTAGTCAGTCACCTAAGGATACATCTTTTCTTGGTAGCGATGAT-3'
Protein context (NP_872394.2, residues 376-396): TFANKSGQSA[Leu386=]YDALFSSQSP

ClinVar aggregate classification (germline): Likely benign (1 of 4 stars; one submission).

Submission:

CeGaT Center for Human Genetics Tuebingen
Classification: Likely benign. Last evaluated: 2026-09-01. Review status: criteria provided, single submitter. Criteria: CeGaT Center For Human Genetics Tuebingen Variant Classification Criteria Version 2. Collection method: clinical testing. Allele origin: germline. Affected: yes. Observed: 3 variant alleles.
Comment: RGPD4: BP4, BP7